The following is an entry in ClinVar:

NM_002353.3(TACSTD2):c.899G>A (p.Arg300Gln)

Gene: TACSTD2 (tumor associated calcium signal transducer 2; minus strand). Cytogenetic location: 1p32.1.
Variant type: single nucleotide variant.
Coding change: c.899G>A on transcript NM_002353.3 (MANE Select); coding-DNA position 899, G replaced by A.
Protein change: p.Arg300Gln; replaces arginine 300 with glutamine.
Molecular consequence: missense variant.
Genome position (GRCh38, 1-based): chr1:58,576,258, C>T on the plus strand (G>A on the coding strand, the complement: TACSTD2 is on the minus strand). VCF-style: chr1-58576258-C-T. GRCh37 (hg19) VCF-style: chr1-59041930-C-T.
Other names: short protein forms R300Q.
Identifiers: ClinVar variation 873846 (VCV000873846.7), dbSNP rs142263208, ClinGen allele CA877303.

ClinVar aggregate classification (germline): Conflicting classifications of pathogenicity. Review status: criteria provided, conflicting classifications (1 of 4 stars). 3 submissions from 3 submitters: Uncertain significance (1); Benign (2). Last evaluated 2022-09-22.

Conditions:
Gelatinous droplike corneal dystrophy (GDLD). Also called: AMYLOID CORNEAL DYSTROPHY, JAPANESE TYPE. Identifiers: Orphanet 98957, MedGen C0339273, MONDO:0008777, OMIM 204870.

Allele frequency attached by ClinVar (database versions not stated): gnomAD exomes 0.00015 and 0.00044; ExAC 0.00062; ESP Exome Variant Server 0.00169; TOPMed 0.00181; 1000 Genomes Project 0.00200; 1000 Genomes Project 30x 0.00203.
gnomAD v4.1: 483 of 1,613,982 alleles (0.03%); highest among the groups gnomAD compares: African/African-American, 0.59%; 5 homozygotes.

Submissions (3):

Ambry Genetics
Classification: Uncertain significance. Last evaluated: 2022-09-22. Review status: criteria provided, single submitter. Criteria: Ambry Variant Classification Scheme 2023. Collection method: clinical testing. Allele origin: germline.

Illumina Laboratory Services, Illumina
Classification: Benign for Gelatinous droplike corneal dystrophy. Last evaluated: 2018-01-13. Review status: criteria provided, single submitter. Criteria: ICSL Variant Classification Criteria 13 December 2019. Collection method: clinical testing. Allele origin: germline.
Comment: This variant was observed in the ICSL laboratory as part of a predisposition screen in an ostensibly healthy population. It had not been previously curated by ICSL or reported in the Human Gene Mutation Database (HGMD: prior to June 1st, 2018), and was therefore a candidate for classification through an automated scoring system. Utilizing variant allele frequency, disease prevalence and penetrance estimates, and inheritance mode, an automated score was calculated to assess if this variant is too frequent to cause the disease. Based on the score and internal cut-off values, a variant classified as benign is not then subjected to further curation. The score for this variant resulted in a classification of benign for this disease.

Breakthrough Genomics
Classification: Benign. Review status: criteria provided, single submitter. Criteria: ACMG Guidelines, 2015. Collection method: not provided. Allele origin: germline. Inheritance: Autosomal recessive inheritance. Affected: yes.